The following is an entry in ClinVar:

ClinVar aggregate classification (germline): Uncertain significance (1 of 4 stars; one submission).

Allele frequency attached by ClinVar (database versions not stated): gnomAD exomes below 0.00001.
gnomAD v4.1: 6 of 1,613,550 alleles (0.00037%); highest among the groups gnomAD compares: Non-Finnish European, 0.00051%; no homozygotes.

Submission:

Ambry Genetics
Classification: Uncertain significance. Last evaluated: 2023-06-24. Review status: criteria provided, single submitter. Criteria: Ambry Variant Classification Scheme 2023. Collection method: clinical testing. Allele origin: germline.
Comment: The p.A179T variant (also known as c.535G>A), located in coding exon 4 of the IDH1 gene, results from a G to A substitution at nucleotide position 535. The alanine at codon 179 is replaced by threonine, an amino acid with similar properties. This amino acid position is conserved. In addition, this alteration is predicted to be tolerated by in silico analysis. Since supporting evidence is limited at this time, the clinical significance of this alteration remains unclear.

NM_005896.4(IDH1):c.535G>A (p.Ala179Thr)

Gene: IDH1 (isocitrate dehydrogenase (NADP(+)) 1; minus strand). Cytogenetic location: 2q34.
Variant type: single nucleotide variant.
Coding change: c.535G>A on transcript NM_005896.4 (MANE Select); coding-DNA position 535, G replaced by A.
Protein change: p.Ala179Thr; replaces alanine 179 with threonine.
Molecular consequence: missense variant.
Genome position (GRCh38, 1-based): chr2:208,243,590, C>T on the plus strand (G>A on the coding strand, the complement: IDH1 is on the minus strand). VCF-style: chr2-208243590-C-T. GRCh37 (hg19) VCF-style: chr2-209108314-C-T.
Other names: c.535G>A, p.Ala179Thr (NM_001282386.1, NM_001282387.1); short protein forms A179T.
Identifiers: ClinVar variation 2624911 (VCV002624911.2), dbSNP rs2469022349, ClinGen allele CA350099814.